The following is an entry in ClinVar:

NM_001040108.2(MLH3):c.3198A>G (p.Thr1066=)

Gene: MLH3 (mutL homolog 3; minus strand). Cytogenetic location: 14q24.3.
Variant type: single nucleotide variant.
Coding change: c.3198A>G on transcript NM_001040108.2 (MANE Select); coding-DNA position 3198, A replaced by G.
Protein change: p.Thr1066=; no amino-acid change (threonine 1066 retained).
Molecular consequence: synonymous variant.
Genome position (GRCh38, 1-based): chr14:75,046,458, T>C on the plus strand (A>G on the coding strand, the complement: MLH3 is on the minus strand). VCF-style: chr14-75046458-T-C. GRCh37 (hg19) VCF-style: chr14-75513161-T-C.
Other names: c.3198A>G, p.Thr1066= (NM_014381.3).
Identifiers: ClinVar variation 1544924 (VCV001544924.11), dbSNP rs1402014356, ClinGen allele CA487177259.

ClinVar aggregate classification (germline): Benign/Likely benign. Review status: criteria provided, multiple submitters, no conflicts (2 of 4 stars). 3 submissions from 3 submitters: Benign (1); Likely benign (2). Last evaluated 2026-05-05.

Conditions:
Colorectal cancer, hereditary nonpolyposis, type 7. Identifiers: Orphanet 144, MedGen C1858380, MONDO:0013725, OMIM 614385.

Allele frequency attached by ClinVar (database versions not stated): gnomAD exomes below 0.00001.

Submissions (3):

Myriad Genetics, Inc.
Classification: Benign for Colorectal cancer, hereditary nonpolyposis, type 7. Last evaluated: 2026-05-05. Review status: criteria provided, single submitter. Criteria: Myriad Autosomal Dominant, Autosomal Recessive and X-Linked Classification Criteria (2023). Collection method: clinical testing. Allele origin: unknown.
Comment: This variant is considered benign. This variant is a silent/synonymous amino acid change and it is not expected to impact splicing.

Labcorp Genetics (formerly Invitae), Labcorp
Classification: Likely benign for Colorectal cancer, hereditary nonpolyposis, type 7. Last evaluated: 2024-01-28. Review status: criteria provided, single submitter. Criteria: Invitae Variant Classification Sherloc (09022015). Collection method: clinical testing. Allele origin: germline.

Ambry Genetics
Classification: Likely benign. Last evaluated: 2019-07-05. Review status: criteria provided, single submitter. Criteria: Ambry Variant Classification Scheme 2023. Collection method: clinical testing. Allele origin: germline.